The following is an entry in ClinVar:

ClinVar aggregate classification (germline): Uncertain significance (1 of 4 stars; one submission).

Conditions:
MBD4-related disorder. Also called: MBD4-related condition.

gnomAD v4.1: 20 of 1,613,878 alleles (0.0012%); highest among the groups gnomAD compares: African/African-American, 0.025%; no homozygotes.

Submission:

PreventionGenetics, part of Exact Sciences
Classification: Uncertain significance for MBD4-related condition. Last evaluated: 2025-08-13. Review status: criteria provided, single submitter. Criteria: ACMG Guidelines, 2015. Collection method: clinical testing. Allele origin: germline.
Comment: The MBD4 c.1717T>G variant is predicted to result in extension of the open reading frame (p.*573Gluext*6). In the primary transcript (NM_003925.3), this variant is intronic (1665+52T>G) and is not predicted to impact splicing (SpliceAI, Jaganathan et al. 2019. PubMed ID: 30661751). To our knowledge, this variant has not been reported in the literature. This variant is reported in 0.043% of alleles in individuals of African descent in gnomAD. At this time, the clinical significance of this variant is uncertain due to the absence of conclusive functional and genetic evidence.

NM_001276270.2(MBD4):c.1647+52T>G

Gene: MBD4 (methyl-CpG binding domain 4, DNA glycosylase; minus strand). Cytogenetic location: 3q21.3.
Variant type: single nucleotide variant.
Coding change: c.1647+52T>G on transcript NM_001276270.2 (MANE Select); 52 bases into the intron after coding-DNA position 1647, T replaced by G.
Molecular consequence: intron variant. On other transcripts: stop lost (1).
Genome position (GRCh38, 1-based): chr3:129,432,451, A>C on the plus strand (T>G on the coding strand, the complement: MBD4 is on the minus strand). VCF-style: chr3-129432451-A-C. GRCh37 (hg19) VCF-style: chr3-129151294-A-C.
Other names: c.1717T>G, p.Ter573Glu (NM_001276271.2); c.711+52T>G (NM_001276273.2); c.1612+105T>G (NM_001276272.2); c.1665+52T>G (NM_003925.3).
Identifiers: ClinVar variation 4977543 (VCV004977543.1).